The following is an entry in ClinVar:

NM_000091.5(COL4A3):c.3580_3581del (p.Arg1194fs)

Genes: COL4A3 (collagen type IV alpha 3 chain; plus strand), MFF-DT (MFF divergent transcript; minus strand). Cytogenetic location: 2q36.3.
Variant type: Deletion.
Coding change: c.3580_3581del on transcript NM_000091.5 (MANE Select); coding-DNA positions 3580 to 3581, 2 bases deleted (AG; older notation c.3580_3581delAG).
Protein change: p.Arg1194fs; shifts the reading frame from arginine 1194.
Molecular consequence: frameshift variant.
Genome position (GRCh38, 1-based): chr2:227,297,688-227,297,689, AG deleted. VCF-style (leftmost placement, unchanged base first): chr2-227297687-CAG-C. GRCh37 (hg19) VCF-style: chr2-228162403-CAG-C.
Other names: short protein forms R1194fs.
Identifiers: ClinVar variation 5015921 (VCV005015921.1).

ClinVar aggregate classification (germline): Pathogenic (1 of 4 stars; one submission).

Conditions:
Alport syndrome. Also called: Hemorrhagic familial nephritis; Hemorrhagic hereditary nephritis; Congenital hereditary hematuria. Identifiers: Orphanet 63, MedGen C1567741, MONDO:0018965.

Submission:

Myriad Genetics, Inc.
Classification: Pathogenic for Alport syndrome. Last evaluated: 2026-05-17. Review status: criteria provided, single submitter. Criteria: Myriad Autosomal Dominant, Autosomal Recessive and X-Linked Classification Criteria (2023). Collection method: clinical testing. Allele origin: unknown.
Comment: NM_000091.4(COL4A3):c.3580_3581delAG(R1194Gfs*114) is expected to be pathogenic in the context of Alport syndrome, COL4A3-related. This variant is predicted to lead to an abnormal or absent protein product due to the creation of a premature termination codon in COL4A3, a gene where loss-of-function variants are known to be pathogenic. Please note: this variant was assessed in the context of healthy population screening.